The following is an entry in ClinVar:

ClinVar aggregate classification (germline): Uncertain significance (1 of 4 stars; one submission).

Submission:

Labcorp Genetics (formerly Invitae), Labcorp
Classification: Uncertain significance. Last evaluated: 2025-05-18. Review status: criteria provided, single submitter. Criteria: Invitae Variant Classification Sherloc (09022015). Collection method: clinical testing. Allele origin: germline.
Comment: This variant, c.4313_4315del, results in the deletion of 1 amino acid(s) of the ALPK3 protein (p.Gly1438del), but otherwise preserves the integrity of the reading frame. This variant is not present in population databases (gnomAD no frequency). This variant has not been reported in the literature in individuals affected with ALPK3-related conditions. Experimental studies and prediction algorithms are not available or were not evaluated, and the functional significance of this variant is currently unknown. In summary, the available evidence is currently insufficient to determine the role of this variant in disease. Therefore, it has been classified as a Variant of Uncertain Significance.

NM_020778.5(ALPK3):c.3707_3709del (p.Gly1236del)

Gene: ALPK3 (alpha kinase 3; plus strand). Cytogenetic location: 15q25.3.
Variant type: Deletion.
Coding change: c.3707_3709del on transcript NM_020778.5 (MANE Select); coding-DNA positions 3707 to 3709, 3 bases deleted (GAG; older notation c.3707_3709delGAG).
Protein change: p.Gly1236del; deletes glycine 1236.
Molecular consequence: inframe deletion.
Genome position (GRCh38, 1-based): chr15:84,858,445-84,858,447, GAG deleted; deleting any 3 consecutive bases within chr15:84,858,443-84,858,447 gives the same sequence; the c. name uses the placement nearest the transcript's 3' end. VCF-style (leftmost placement, unchanged base first): chr15-84858442-CAGG-C. GRCh37 (hg19) VCF-style: chr15-85401673-CAGG-C.
Other names: short protein forms G1236del.
Identifiers: ClinVar variation 4719739 (VCV004719739.1).
Genomic context (GRCh38, chr15:84,858,442, plus strand): 5'-CTACGCAGGGCAGAAAGGCGAGCATGCTGGAGGTGCCTCGGGCAGAGGAGGAGCTGGCGG[CAGG>C]AGACCTGGGCCCCAGCCCCAAGGCCGGCGGTCTGGACACAGAGGTGGCCCTGGATGAAGG-3'